The following is an entry in ClinVar:

NM_000797.4(DRD4):c.468C>A (p.Ile156=)

Gene: DRD4 (dopamine receptor D4; plus strand). Cytogenetic location: 11p15.5.
Variant type: single nucleotide variant.
Coding change: c.468C>A on transcript NM_000797.4 (MANE Select); coding-DNA position 468, C replaced by A.
Protein change: p.Ile156=; no amino-acid change (isoleucine 156 retained).
Molecular consequence: synonymous variant.
Genome position (GRCh38, 1-based): chr11:639,717, C>A. VCF-style: chr11-639717-C-A. GRCh37 (hg19) VCF-style: chr11-639717-C-A.
Identifiers: ClinVar variation 3356919 (VCV003356919.1).

ClinVar aggregate classification (germline): Likely benign (0 of 4 stars; one submission).

Conditions:
DRD4-related disorder. Also called: DRD4-related condition.

gnomAD v4.1: 57 of 1,503,244 alleles (0.0038%); highest among the groups gnomAD compares: Middle Eastern, 0.023%; 1 homozygote.

Submission:

PreventionGenetics, part of Exact Sciences
Classification: Likely benign for DRD4-related condition. Last evaluated: 2024-08-24. Review status: no assertion criteria provided. Collection method: clinical testing. Allele origin: germline.
Comment: This variant is classified as likely benign based on ACMG/AMP sequence variant interpretation guidelines (Richards et al. 2015 PMID: 25741868, with internal and published modifications).